The following is an entry in ClinVar:

NM_003024.3(ITSN1):c.1455+8A>C

Gene: ITSN1 (intersectin 1; plus strand). Cytogenetic location: 21q22.11.
Variant type: single nucleotide variant.
Coding change: c.1455+8A>C on transcript NM_003024.3 (MANE Select); 8 bases into the intron after coding-DNA position 1455, A replaced by C.
Molecular consequence: intron variant.
Genome position (GRCh38, 1-based): chr21:33,774,886, A>C. VCF-style: chr21-33774886-A-C. GRCh37 (hg19) VCF-style: chr21-35147190-A-C.
Other names: c.1455+8A>C (NM_001331010.2, NM_001001132.2, NM_001331008.2 and 2 more transcripts); c.1344+8A>C (NM_001331012.2).
Identifiers: ClinVar variation 3036520 (VCV003036520.2), dbSNP rs536600868, ClinGen allele CA10011560.

ClinVar aggregate classification (germline): Likely benign (0 of 4 stars; one submission).

Conditions:
ITSN1-related disorder. Also called: ITSN1-related condition.

Allele frequency attached by ClinVar (database versions not stated): gnomAD exomes 0.00002; ExAC 0.00003; gnomAD 0.00011; TOPMed 0.00011; 1000 Genomes Project 30x 0.00031; 1000 Genomes Project 0.00040.
gnomAD v4.1: 48 of 1,608,642 alleles (0.003%); highest among the groups gnomAD compares: African/African-American, 0.06%; no homozygotes.

Submission:

PreventionGenetics, part of Exact Sciences
Classification: Likely benign for ITSN1-related condition. Last evaluated: 2023-03-24. Review status: no assertion criteria provided. Collection method: clinical testing. Allele origin: germline.
Comment: This variant is classified as likely benign based on ACMG/AMP sequence variant interpretation guidelines (Richards et al. 2015 PMID: 25741868, with internal and published modifications).